The following is an entry in ClinVar:

ClinVar aggregate classification (germline): Uncertain significance. Review status: criteria provided, multiple submitters, no conflicts (2 of 4 stars). 3 submissions from 3 submitters: Uncertain significance (2). 1 of the submissions does not count toward it. Last evaluated 2023-07-13.

Conditions:
Cardiomyopathy (CMYO). Also called: Cardiomyopathies. Identifiers: Orphanet 167848, MedGen C0878544, MONDO:0004994, HP:0001638. Inheritance: Various modes of inheritance.
Dystrophin deficiency.
Duchenne muscular dystrophy (DMD). Also called: MUSCULAR DYSTROPHY, PSEUDOHYPERTROPHIC PROGRESSIVE, DUCHENNE TYPE; Duchenne Muscular Dystrophy (DMD). Identifiers: Orphanet 98896, MedGen C0013264, MONDO:0010679, OMIM 310200.
Becker muscular dystrophy (BMD). Also called: Becker Muscular Dystrophy (BMD); MUSCULAR DYSTROPHY, PSEUDOHYPERTROPHIC PROGRESSIVE, BECKER TYPE. Identifiers: Orphanet 98895, MedGen C0917713, MONDO:0010311, OMIM 300376.

Allele frequency attached by ClinVar (database versions not stated): gnomAD exomes below 0.00001; gnomAD 0.00001; TOPMed 0.00001.
gnomAD v4.1: 2 of 1,206,939 alleles (0.00017%); highest among the groups gnomAD compares: African/African-American, 0.0018%; no homozygotes.

Submissions (3):

Revvity Omics, Revvity
Classification: Uncertain significance. Last evaluated: 2023-07-13. Review status: criteria provided, single submitter. Criteria: ACMG Guidelines, 2015. Collection method: clinical testing. Allele origin: germline.

Labcorp Genetics (formerly Invitae), Labcorp
Classification: Uncertain significance for Duchenne muscular dystrophy. Last evaluated: 2022-07-06. Review status: criteria provided, single submitter. Criteria: Invitae Variant Classification Sherloc (09022015). Collection method: clinical testing. Allele origin: germline.
Comment: This sequence change replaces leucine, which is neutral and non-polar, with valine, which is neutral and non-polar, at codon 2873 of the DMD protein (p.Leu2873Val). This variant is not present in population databases (gnomAD no frequency). This variant has not been reported in the literature in individuals affected with DMD-related conditions. ClinVar contains an entry for this variant (Variation ID: 1057921). Algorithms developed to predict the effect of missense changes on protein structure and function (SIFT, PolyPhen-2, Align-GVGD) all suggest that this variant is likely to be tolerated. In summary, the available evidence is currently insufficient to determine the role of this variant in disease. Therefore, it has been classified as a Variant of Uncertain Significance.

Natera, Inc.
Classification: Uncertain significance for Becker muscular dystrophy; Cardiomyopathy; Duchenne muscular dystrophy; Dystrophin deficiency. Last evaluated: 2018-06-30. Review status: no assertion criteria provided. Collection method: clinical testing. Allele origin: germline. Not counted in ClinVar's aggregate classification.

NM_004006.3(DMD):c.8617C>G (p.Leu2873Val)

Gene: DMD (dystrophin; minus strand). Cytogenetic location: Xp21.2.
Variant type: single nucleotide variant.
Coding change: c.8617C>G on transcript NM_004006.3 (MANE Select); coding-DNA position 8617, C replaced by G.
Protein change: p.Leu2873Val; replaces leucine 2873 with valine.
Molecular consequence: missense variant.
Genome position (GRCh38, 1-based): chrX:31,479,034, G>C on the plus strand (C>G on the coding strand, the complement: DMD is on the minus strand). VCF-style: chrX-31479034-G-C. GRCh37 (hg19) VCF-style: chrX-31497151-G-C.
Other names: c.8593C>G, p.Leu2865Val (NM_000109.4); c.8605C>G, p.Leu2869Val (NM_004009.3); c.8248C>G, p.Leu2750Val (NM_004010.3); c.4594C>G, p.Leu1532Val (NM_004011.4); c.4585C>G, p.Leu1529Val (NM_004012.4); c.1237C>G, p.Leu413Val (NM_004013.3, NM_004020.4, NM_004021.3 and 2 more transcripts); c.430C>G, p.Leu144Val (NM_004014.3); c.8617C>G (NM_004006.2); short protein forms L144V, L1529V, L1532V, L2750V, L2865V, L2869V, L2873V, L413V.
Identifiers: ClinVar variation 1057921 (VCV001057921.7), dbSNP rs2068037393, ClinGen allele CA412654536.